The following is an entry in ClinVar:

NM_018075.5(ANO10):c.220G>C (p.Ala74Pro)

Gene: ANO10 (anoctamin 10; minus strand). Cytogenetic location: 3p21.33.
Variant type: single nucleotide variant.
Coding change: c.220G>C on transcript NM_018075.5 (MANE Select); coding-DNA position 220, G replaced by C.
Protein change: p.Ala74Pro; replaces alanine 74 with proline.
Molecular consequence: missense variant. On other transcripts: intron variant (4).
Genome position (GRCh38, 1-based): chr3:43,600,501, C>G on the plus strand (G>C on the coding strand, the complement: ANO10 is on the minus strand). VCF-style: chr3-43600501-C-G. GRCh37 (hg19) VCF-style: chr3-43641993-C-G.
Other names: c.220G>C, p.Ala74Pro (NM_001204831.3, NM_001204834.3, NM_001346463.2 and 4 more transcripts); c.140-1835G>C (NM_001346469.2, NM_001204832.3, NM_001346466.2); c.139+5213G>C (NM_001204833.3); short protein forms A74P.
Identifiers: ClinVar variation 3335966 (VCV003335966.1).

ClinVar aggregate classification (germline): Uncertain significance (1 of 4 stars; one submission).

Submission:

Women's Health and Genetics/Laboratory Corporation of America, LabCorp
Classification: Uncertain significance. Last evaluated: 2024-05-14. Review status: criteria provided, single submitter. Criteria: LabCorp Variant Classification Summary - May 2015. Collection method: clinical testing. Allele origin: germline.
Comment: Variant summary: ANO10 c.220G>C (p.Ala74Pro) results in a non-conservative amino acid change in the encoded protein sequence. Five of five in-silico tools predict a damaging effect of the variant on protein function. The variant was absent in 251430 control chromosomes. The available data on variant occurrences in the general population are insufficient to allow any conclusion about variant significance. c.220G>C has been reported in the literature in an individual affected with late onset Spinocerebellar ataxia 10 (Benkirane_2021). These data do not allow any conclusion about variant significance. To our knowledge, no experimental evidence demonstrating an impact on protein function has been reported. The following publication have been ascertained in the context of this evaluation (PMID: 34234304). No submitters have cited clinical-significance assessments for this variant to ClinVar. Based on the evidence outlined above, the variant was classified as uncertain significance.

Literature cited by the submitters: PubMed 34234304.